The following is an entry in ClinVar:

NM_172364.5(CACNA2D4):c.1070A>G (p.His357Arg)

Gene: CACNA2D4 (calcium voltage-gated channel auxiliary subunit alpha2delta 4; minus strand). Cytogenetic location: 12p13.33.
Variant type: single nucleotide variant.
Coding change: c.1070A>G on transcript NM_172364.5 (MANE Select); coding-DNA position 1070, A replaced by G.
Protein change: p.His357Arg; replaces histidine 357 with arginine.
Molecular consequence: missense variant.
Genome position (GRCh38, 1-based): chr12:1,885,075, T>C on the plus strand (A>G on the coding strand, the complement: CACNA2D4 is on the minus strand). VCF-style: chr12-1885075-T-C. GRCh37 (hg19) VCF-style: chr12-1994241-T-C.
Other names: short protein forms H357R.
Identifiers: ClinVar variation 962175 (VCV000962175.10), dbSNP rs1866103483, ClinGen allele CA383359624.
Genomic context (GRCh38, chr12:1,885,075, plus strand): 5'-AGGGCTTGGTCCACGACCCCCACACCTTTGACCATCAACTCCTCCACCAGCAGTTTGAAA[T>C]GCTGCCATGGGTGAGATATTAGAGAAGCATCAGGGGGTTGAGTGGGCCAGTGGAGCTTCA-3'
Protein context (NP_758952.4, residues 347-367): LVQADRDNRE[His357Arg]FKLLVEELMV

ClinVar aggregate classification (germline): Uncertain significance (1 of 4 stars; one submission).

Submission:

Labcorp Genetics (formerly Invitae), Labcorp
Classification: Uncertain significance. Last evaluated: 2024-08-12. Review status: criteria provided, single submitter. Criteria: Invitae Variant Classification Sherloc (09022015). Collection method: clinical testing. Allele origin: germline.
Comment: This sequence change replaces histidine, which is basic and polar, with arginine, which is basic and polar, at codon 357 of the CACNA2D4 protein (p.His357Arg). This variant is not present in population databases (gnomAD no frequency). This variant has not been reported in the literature in individuals affected with CACNA2D4-related conditions. ClinVar contains an entry for this variant (Variation ID: 962175). An algorithm developed to predict the effect of missense changes on protein structure and function (PolyPhen-2) suggests that this variant is likely to be tolerated. In summary, the available evidence is currently insufficient to determine the role of this variant in disease. Therefore, it has been classified as a Variant of Uncertain Significance.